The following is an entry in ClinVar:

ClinVar aggregate classification (germline): Uncertain significance (1 of 4 stars; one submission).

Allele frequency attached by ClinVar (database versions not stated): ExAC 0.00001; gnomAD 0.00001; gnomAD exomes 0.00001.
gnomAD v4.1: 20 of 1,594,310 alleles (0.0013%); highest among the groups gnomAD compares: South Asian, 0.022%; no homozygotes.

Submission:

Labcorp Genetics (formerly Invitae), Labcorp
Classification: Uncertain significance. Last evaluated: 2025-03-17. Review status: criteria provided, single submitter. Criteria: Invitae Variant Classification Sherloc (09022015). Collection method: clinical testing. Allele origin: germline.
Comment: This sequence change replaces tyrosine, which is neutral and polar, with aspartic acid, which is acidic and polar, at codon 519 of the PROM1 protein (p.Tyr519Asp). This variant is present in population databases (rs757652718, gnomAD 0.01%). This variant has not been reported in the literature in individuals affected with PROM1-related conditions. ClinVar contains an entry for this variant (Variation ID: 1949317). Invitae Evidence Modeling of protein sequence and biophysical properties (such as structural, functional, and spatial information, amino acid conservation, physicochemical variation, residue mobility, and thermodynamic stability) indicates that this missense variant is expected to disrupt PROM1 protein function with a positive predictive value of 80%. In summary, the available evidence is currently insufficient to determine the role of this variant in disease. Therefore, it has been classified as a Variant of Uncertain Significance.

NM_006017.3(PROM1):c.1555T>G (p.Tyr519Asp)

Gene: PROM1 (prominin 1; minus strand). Cytogenetic location: 4p15.32.
Variant type: single nucleotide variant.
Coding change: c.1555T>G on transcript NM_006017.3 (MANE Select); coding-DNA position 1555, T replaced by G.
Protein change: p.Tyr519Asp; replaces tyrosine 519 with aspartic acid.
Molecular consequence: missense variant.
Genome position (GRCh38, 1-based): chr4:16,000,519, A>C on the plus strand (T>G on the coding strand, the complement: PROM1 is on the minus strand). VCF-style: chr4-16000519-A-C. GRCh37 (hg19) VCF-style: chr4-16002142-A-C.
Other names: c.1528T>G, p.Tyr510Asp (NM_001145847.2, NM_001145848.2, NM_001145851.2 and 4 more transcripts); c.1555T>G, p.Tyr519Asp (NM_001145849.2, NM_001145850.2); short protein forms Y510D, Y519D.
Identifiers: ClinVar variation 1949317 (VCV001949317.5), dbSNP rs757652718, ClinGen allele CA2866739.